The following is an entry in ClinVar:

ClinVar aggregate classification (germline): Uncertain significance (1 of 4 stars; one submission).

Submission:

Labcorp Genetics (formerly Invitae), Labcorp
Classification: Uncertain significance. Last evaluated: 2022-12-13. Review status: criteria provided, single submitter. Criteria: Invitae Variant Classification Sherloc (09022015). Collection method: clinical testing. Allele origin: germline.
Comment: This sequence change replaces glutamic acid, which is acidic and polar, with alanine, which is neutral and non-polar, at codon 226 of the SPTBN2 protein (p.Glu226Ala). In summary, the available evidence is currently insufficient to determine the role of this variant in disease. Therefore, it has been classified as a Variant of Uncertain Significance. Advanced modeling of protein sequence and biophysical properties (such as structural, functional, and spatial information, amino acid conservation, physicochemical variation, residue mobility, and thermodynamic stability) performed at Invitae indicates that this missense variant is not expected to disrupt SPTBN2 protein function. This variant has not been reported in the literature in individuals affected with SPTBN2-related conditions. This variant is not present in population databases (gnomAD no frequency).

NM_006946.4(SPTBN2):c.677A>C (p.Glu226Ala)

Gene: SPTBN2 (spectrin beta, non-erythrocytic 2; minus strand). Cytogenetic location: 11q13.2.
Variant type: single nucleotide variant.
Coding change: c.677A>C on transcript NM_006946.4 (MANE Select); coding-DNA position 677, A replaced by C.
Protein change: p.Glu226Ala; replaces glutamic acid 226 with alanine.
Molecular consequence: missense variant.
Genome position (GRCh38, 1-based): chr11:66,713,726, T>G on the plus strand (A>C on the coding strand, the complement: SPTBN2 is on the minus strand). VCF-style: chr11-66713726-T-G. GRCh37 (hg19) VCF-style: chr11-66481197-T-G.
Other names: c.698A>C, p.Glu233Ala (NM_001411025.1); short protein forms E226A, E233A.
Identifiers: ClinVar variation 2814168 (VCV002814168.3), dbSNP rs2496505604, ClinGen allele CA381483070.